The following is an entry in ClinVar:

NM_152564.5(VPS13B):c.6516C>G (p.Leu2172=)

Gene: VPS13B (vacuolar protein sorting 13 homolog B; plus strand). Cytogenetic location: 8q22.2.
Variant type: single nucleotide variant.
Coding change: c.6516C>G on transcript NM_152564.5 (MANE Select); coding-DNA position 6516, C replaced by G.
Protein change: p.Leu2172=; no amino-acid change (leucine 2172 retained).
Molecular consequence: synonymous variant.
Genome position (GRCh38, 1-based): chr8:99,717,232, C>G. VCF-style: chr8-99717232-C-G. GRCh37 (hg19) VCF-style: chr8-100729460-C-G.
Other names: c.6591C>G, p.Leu2197= (NM_017890.5); c.6516C>G (NM_152564.4).
Identifiers: ClinVar variation 1648766 (VCV001648766.9), dbSNP rs1308542502, ClinGen allele CA462440240.
Genomic context (GRCh38, chr8:99,717,232, plus strand): 5'-CATAATTCTTGGGTCATCATTTCTACTCAGTATAAACGATTTTCTCCTTAAAACAAGTCT[C>G]AAAGAAAGAAGCCGCATTCTGATAGGACCATGTTGTGCTACTGCCAATCTGGAAGCTAAG-3'
Protein context (NP_689777.3, residues 2162-2182): SINDFLLKTS[Leu2172=]KERSRILIGP

ClinVar aggregate classification (germline): Likely benign. Review status: criteria provided, multiple submitters, no conflicts (2 of 4 stars). 2 submissions from 2 submitters: Likely benign (2). Last evaluated 2025-11-24.

Conditions:
VPS13B-related disorder. Also called: VPS13B-related condition.
Cohen syndrome (COH1). Also called: PEPPER SYNDROME; Cutis verticis gyrata, retinitis pigmentosa, and sensorineural deafness. Identifiers: Orphanet 193, MedGen C0265223, MONDO:0008999, OMIM 216550.

gnomAD v4.1: 2 of 1,613,892 alleles (0.00012%); highest among the groups gnomAD compares: South Asian, 0.0022%; no homozygotes.

Submissions (2):

PreventionGenetics, part of Exact Sciences
Classification: Likely benign for VPS13B-related condition. Last evaluated: 2025-11-24. Review status: criteria provided, single submitter. Criteria: ACMG Guidelines, 2015. Collection method: clinical testing. Allele origin: germline.
Comment: This variant is classified as likely benign based on ACMG/AMP sequence variant interpretation guidelines (Richards et al. 2015 PMID: 25741868, with internal and published modifications).

Labcorp Genetics (formerly Invitae), Labcorp
Classification: Likely benign for Cohen syndrome. Last evaluated: 2023-11-22. Review status: criteria provided, single submitter. Criteria: Invitae Variant Classification Sherloc (09022015). Collection method: clinical testing. Allele origin: germline.